The following is an entry in ClinVar:

ClinVar aggregate classification (germline): Likely pathogenic (1 of 4 stars; one submission).

Allele frequency attached by ClinVar (database versions not stated): gnomAD exomes below 0.00001; gnomAD 0.00001; TOPMed 0.00001.
gnomAD v4.1: 6 of 1,610,610 alleles (0.00037%); highest among the groups gnomAD compares: Non-Finnish European, 0.00051%; no homozygotes.

Submission:

GeneDx
Classification: Likely pathogenic. Last evaluated: 2023-06-12. Review status: criteria provided, single submitter. Criteria: GeneDx Variant Classification Process June 2021. Collection method: clinical testing. Allele origin: germline. Affected: yes.
Comment: Not observed at significant frequency in large population cohorts (gnomAD); In silico analysis, which includes protein predictors and evolutionary conservation, supports a deleterious effect; Has not been previously published as pathogenic or benign to our knowledge

NM_001135146.2(SLC39A8):c.611G>T (p.Gly204Val)

Gene: SLC39A8 (solute carrier family 39 member 8; minus strand). Cytogenetic location: 4q24.
Variant type: single nucleotide variant.
Coding change: c.611G>T on transcript NM_001135146.2 (MANE Select); coding-DNA position 611, G replaced by T.
Protein change: p.Gly204Val; replaces glycine 204 with valine.
Molecular consequence: missense variant.
Genome position (GRCh38, 1-based): chr4:102,305,053, C>A on the plus strand (G>T on the coding strand, the complement: SLC39A8 is on the minus strand). VCF-style: chr4-102305053-C-A. GRCh37 (hg19) VCF-style: chr4-103226210-C-A.
Other names: c.611G>T, p.Gly204Val (NM_001135147.1, NM_022154.5); c.410G>T, p.Gly137Val (NM_001135148.2); short protein forms G137V, G204V.
Identifiers: ClinVar variation 1304789 (VCV001304789.3), dbSNP rs1332314048, ClinGen allele CA357753404.